The following is an entry in ClinVar:

NM_001083961.2(WDR62):c.3724G>T (p.Val1242Leu)

Gene: WDR62 (WD repeat domain 62; plus strand). Cytogenetic location: 19q13.12.
Variant type: single nucleotide variant.
Coding change: c.3724G>T on transcript NM_001083961.2 (MANE Select); coding-DNA position 3724, G replaced by T.
Protein change: p.Val1242Leu; replaces valine 1242 with leucine.
Molecular consequence: missense variant.
Genome position (GRCh38, 1-based): chr19:36,103,552, G>T. VCF-style: chr19-36103552-G-T. GRCh37 (hg19) VCF-style: chr19-36594454-G-T.
Other names: c.3709G>T, p.Val1237Leu (NM_173636.5); short protein forms V1237L, V1242L.
Identifiers: ClinVar variation 1523585 (VCV001523585.8), dbSNP rs143493857, ClinGen allele CA405457533.

ClinVar aggregate classification (germline): Uncertain significance (1 of 4 stars; one submission).

Submission:

Labcorp Genetics (formerly Invitae), Labcorp
Classification: Uncertain significance. Last evaluated: 2021-01-15. Review status: criteria provided, single submitter. Criteria: Invitae Variant Classification Sherloc (09022015). Collection method: clinical testing. Allele origin: germline.
Comment: In summary, the available evidence is currently insufficient to determine the role of this variant in disease. Therefore, it has been classified as a Variant of Uncertain Significance. Algorithms developed to predict the effect of missense changes on protein structure and function output the following: SIFT: "Tolerated"; PolyPhen-2: "Benign"; Align-GVGD: "Class C0". The leucine amino acid residue is found in multiple mammalian species, suggesting that this missense change does not adversely affect protein function. These predictions have not been confirmed by published functional studies and their clinical significance is uncertain. This variant has not been reported in the literature in individuals with WDR62-related conditions. This variant is not present in population databases (ExAC no frequency). This sequence change replaces valine with leucine at codon 1242 of the WDR62 protein (p.Val1242Leu). The valine residue is weakly conserved and there is a small physicochemical difference between valine and leucine.